The following is an entry in ClinVar:

ClinVar aggregate classification (germline): Uncertain significance (1 of 4 stars; one submission).

gnomAD v4.1: 2 of 1,209,886 alleles (0.00017%); highest among the groups gnomAD compares: Admixed American, 0.0044%; no homozygotes.

Submission:

GeneDx
Classification: Uncertain significance. Last evaluated: 2025-06-09. Review status: criteria provided, single submitter. Criteria: GeneDx Variant Classification Process June 2021. Collection method: clinical testing. Allele origin: germline.
Comment: Not observed at significant frequency in large population cohorts (gnomAD); In silico analysis suggests that this missense variant does not alter protein structure/function; Has not been previously published as pathogenic or benign to our knowledge

NM_001368397.1(FRMPD4):c.3406G>A (p.Gly1136Arg)

Gene: FRMPD4 (FERM and PDZ domain containing 4; plus strand). Cytogenetic location: Xp22.2.
Variant type: single nucleotide variant.
Coding change: c.3406G>A on transcript NM_001368397.1 (MANE Select); coding-DNA position 3406, G replaced by A.
Protein change: p.Gly1136Arg; replaces glycine 1136 with arginine.
Molecular consequence: missense variant.
Genome position (GRCh38, 1-based): chrX:12,718,232, G>A. VCF-style: chrX-12718232-G-A. GRCh37 (hg19) VCF-style: chrX-12736351-G-A.
Other names: c.3517G>A, p.Gly1173Arg (NM_001368395.3, NM_001368398.3); c.3412G>A, p.Gly1138Arg (NM_001368396.3); c.3397G>A, p.Gly1133Arg (NM_001368399.3); c.3286G>A, p.Gly1096Arg (NM_001368400.3); c.3382G>A, p.Gly1128Arg (NM_001368401.1, NM_001368402.3); c.3406G>A, p.Gly1136Arg (NM_014728.3); short protein forms G1096R, G1128R, G1133R, G1136R, G1138R, G1173R.
Identifiers: ClinVar variation 3343232 (VCV003343232.2).